The following is an entry in ClinVar:

NM_001875.5(CPS1):c.4404+1G>T

Gene: CPS1 (carbamoyl-phosphate synthase 1; plus strand). Cytogenetic location: 2q34.
Variant type: single nucleotide variant.
Coding change: c.4404+1G>T on transcript NM_001875.5 (MANE Select); the canonical splice donor site of the intron after coding-DNA position 4404, G replaced by T.
Molecular consequence: splice donor variant.
Genome position (GRCh38, 1-based): chr2:210,677,137, G>T. VCF-style: chr2-210677137-G-T. GRCh37 (hg19) VCF-style: chr2-211541861-G-T.
Other names: c.4404+1G>T (NM_001369257.1, NM_001122633.3); c.4437+1G>T (NM_001369256.1).
Identifiers: ClinVar variation 4814967 (VCV004814967.1).

ClinVar aggregate classification (germline): Likely pathogenic (1 of 4 stars; one submission).

Conditions:
Congenital hyperammonemia, type I. Also called: Carbamoyl phosphate synthetase I deficiency disease; CPS I DEFICIENCY; Carbamoyl phosphate synthetase 1 deficiency; Hyperammonemia due to carbamoyl phosphate synthetase 1 deficiency; CPS 1 deficiency; Carbamyl phosphate synthetase (CPS) deficiency. Identifiers: Orphanet 147, MedGen C4082171, MONDO:0009376, OMIM 237300.

gnomAD v4.1: 1 of 1,613,762 alleles (0.000062%); highest among the groups gnomAD compares: Non-Finnish European, 0.000085%; no homozygotes.

Submission:

Natera, Inc.
Classification: Likely pathogenic for Carbamoyl-phosphate synthase I deficiency. Last evaluated: 2025-02-26. Review status: criteria provided, single submitter. Criteria: Natera Variant Classification Schema (03/2026). Collection method: clinical testing. Allele origin: germline.
Comment: The c.4404+1G>T variant in CPS1 is a canonical splice donor site variant predicted to affect pre-mRNA splicing, which may result in an abnormal transcript and altered protein product. This variant is expected to result in nonsense mediated decay, truncation, or a dysfunctional protein product. This variant is rare in the general population with a frequency below the threshold expected for the associated phenotype(s). Given the available evidence, this variant is classified as Likely Pathogenic.